The following is an entry in ClinVar:

ClinVar aggregate classification (germline): Uncertain significance. Review status: criteria provided, multiple submitters, no conflicts (2 of 4 stars). 2 submissions from 2 submitters: Uncertain significance (2). Last evaluated 2024-01-11.

Allele frequency attached by ClinVar (database versions not stated): TOPMed below 0.00001.

Submissions (2):

GeneDx
Classification: Uncertain significance. Last evaluated: 2024-01-11. Review status: criteria provided, single submitter. Criteria: GeneDx Variant Classification Process June 2021. Collection method: clinical testing. Allele origin: germline. Affected: yes.
Comment: Not observed at significant frequency in large population cohorts (gnomAD); In silico analysis supports that this missense variant has a deleterious effect on protein structure/function; Has not been previously published as pathogenic or benign to our knowledge

Blueprint Genetics
Classification: Uncertain significance. Last evaluated: 2021-12-27. Review status: criteria provided, single submitter. Criteria: ACMG Guidelines, 2015. Collection method: clinical testing. Allele origin: germline.

NM_001374353.1(GLI2):c.1496G>A (p.Arg499His)

Gene: GLI2 (GLI family zinc finger 2; plus strand). Cytogenetic location: 2q14.2.
Variant type: single nucleotide variant.
Coding change: c.1496G>A on transcript NM_001374353.1 (MANE Select); coding-DNA position 1496, G replaced by A.
Protein change: p.Arg499His; replaces arginine 499 with histidine.
Molecular consequence: missense variant.
Genome position (GRCh38, 1-based): chr2:120,982,744, G>A. VCF-style: chr2-120982744-G-A. GRCh37 (hg19) VCF-style: chr2-121740320-G-A.
Other names: c.1547G>A, p.Arg516His (NM_001371271.1, NM_005270.5); c.1121G>A, p.Arg374His (NM_001374354.1); short protein forms R516H, R499H, R374H.
Identifiers: ClinVar variation 452761 (VCV000452761.4), dbSNP rs1553477151, ClinGen allele CA348161995.